The following is an entry in ClinVar:

ClinVar aggregate classification (germline): Uncertain significance (1 of 4 stars; one submission).

Allele frequency attached by ClinVar (database versions not stated): gnomAD 0.00001.
gnomAD v4.1: 1 of 1,613,012 alleles (0.000062%); highest among the groups gnomAD compares: African/African-American, 0.0013%; no homozygotes.

Submission:

Labcorp Genetics (formerly Invitae), Labcorp
Classification: Uncertain significance. Last evaluated: 2021-11-03. Review status: criteria provided, single submitter. Criteria: Invitae Variant Classification Sherloc (09022015). Collection method: clinical testing. Allele origin: germline.
Comment: In summary, the available evidence is currently insufficient to determine the role of this variant in disease. Therefore, it has been classified as a Variant of Uncertain Significance. Advanced modeling of protein sequence and biophysical properties (such as structural, functional, and spatial information, amino acid conservation, physicochemical variation, residue mobility, and thermodynamic stability) performed at Invitae indicates that this missense variant is not expected to disrupt CPLANE1 protein function. This variant has not been reported in the literature in individuals affected with CPLANE1-related conditions. This variant is present in population databases (no rsID available, gnomAD 0.01%). This sequence change replaces glutamine, which is neutral and polar, with arginine, which is basic and polar, at codon 2514 of the CPLANE1 protein (p.Gln2514Arg).

NM_001384732.1(CPLANE1):c.7541A>G (p.Gln2514Arg)

Gene: CPLANE1 (ciliogenesis and planar polarity effector complex subunit 1; minus strand). Cytogenetic location: 5p13.2.
Variant type: single nucleotide variant.
Coding change: c.7541A>G on transcript NM_001384732.1 (MANE Select); coding-DNA position 7541, A replaced by G.
Protein change: p.Gln2514Arg; replaces glutamine 2514 with arginine.
Molecular consequence: missense variant.
Genome position (GRCh38, 1-based): chr5:37,164,320, T>C on the plus strand (A>G on the coding strand, the complement: CPLANE1 is on the minus strand). VCF-style: chr5-37164320-T-C. GRCh37 (hg19) VCF-style: chr5-37164422-T-C.
Other names: c.7541A>G, p.Gln2514Arg (NM_023073.4); short protein forms Q2514R.
Identifiers: ClinVar variation 1410788 (VCV001410788.6), dbSNP rs1208524492, ClinGen allele CA359476144.